The following is an entry in ClinVar:

NM_031942.5(CDCA7):c.1057C>T (p.Arg353Cys)

Gene: CDCA7 (cell division cycle associated 7; plus strand). Cytogenetic location: 2q31.1.
Variant type: single nucleotide variant.
Coding change: c.1057C>T on transcript NM_031942.5 (MANE Select); coding-DNA position 1057, C replaced by T.
Protein change: p.Arg353Cys; replaces arginine 353 with cysteine.
Molecular consequence: missense variant.
Genome position (GRCh38, 1-based): chr2:173,366,304, C>T. VCF-style: chr2-173366304-C-T. GRCh37 (hg19) VCF-style: chr2-174231032-C-T.
Other names: c.820C>T, p.Arg274Cys (NM_145810.3); short protein forms R274C, R353C.
Identifiers: ClinVar variation 225529 (VCV000225529.7), dbSNP rs879253738, ClinGen allele CA10576025.

ClinVar aggregate classification (germline): Likely pathogenic. Review status: criteria provided, single submitter (1 of 4 stars). 2 submissions from 2 submitters: Likely pathogenic (1). 1 of the submissions does not count toward it. Last evaluated 2023-12-15.

Conditions:
Immunodeficiency-centromeric instability-facial anomalies syndrome 3 (ICF3). Identifiers: Orphanet 2268, MedGen C4310799, MONDO:0014828, OMIM 616910.

Allele frequency attached by ClinVar (database versions not stated): gnomAD exomes below 0.00001.
gnomAD v4.1: 6 of 1,613,644 alleles (0.00037%); highest among the groups gnomAD compares: East Asian, 0.0022%; no homozygotes.

Submissions (2):

Labcorp Genetics (formerly Invitae), Labcorp
Classification: Likely pathogenic. Last evaluated: 2023-12-15. Review status: criteria provided, single submitter. Criteria: Invitae Variant Classification Sherloc (09022015). Collection method: clinical testing. Allele origin: germline.
Comment: This sequence change replaces arginine, which is basic and polar, with cysteine, which is neutral and slightly polar, at codon 353 of the CDCA7 protein (p.Arg353Cys). This variant is present in population databases (no rsID available, gnomAD 0.0009%). This missense change has been observed in individual(s) with immunodeficiency-centromeric instability-facial anomalies syndrome (PMID: 26216346). This variant is also known as p.(Arg274Cys). ClinVar contains an entry for this variant (Variation ID: 225529). Advanced modeling of protein sequence and biophysical properties (such as structural, functional, and spatial information, amino acid conservation, physicochemical variation, residue mobility, and thermodynamic stability) performed at Invitae indicates that this missense variant is expected to disrupt CDCA7 protein function with a positive predictive value of 80%. This variant disrupts the p.Arg353 amino acid residue in CDCA7. Other variant(s) that disrupt this residue have been determined to be pathogenic (PMID: 26216346). This suggests that this residue is clinically significant, and that variants that disrupt this residue are likely to be disease-causing. In summary, the currently available evidence indicates that the variant is pathogenic, but additional data are needed to prove that conclusively. Therefore, this variant has been classified as Likely Pathogenic.

OMIM
Classification: Pathogenic for IMMUNODEFICIENCY-CENTROMERIC INSTABILITY-FACIAL ANOMALIES SYNDROME 3. Last evaluated: 2019-04-10. Review status: flagged submission. Collection method: literature only. Allele origin: germline. Not counted in ClinVar's aggregate classification.
ClinVar note: Notes: Flagging candidate with reason of insufficient supporting evidence. This gene has been classified as having a limited gene-disease relationship by a ClinGen Expert Panel.
ClinVar note: Reason: P/LP classification for a variant in a gene with insufficient evidence for a gene-disease relationship

Literature cited by the submitters: PubMed 26216346 (cited by Labcorp Genetics (formerly Invitae), Labcorp and OMIM); PubMed 1999836 (cited by OMIM); PubMed 15952214 (cited by OMIM).